The following is an entry in ClinVar:

ClinVar aggregate classification (germline): Likely benign. Review status: criteria provided, multiple submitters, no conflicts (2 of 4 stars). 4 submissions from 4 submitters: Likely benign (3). 1 of the submissions does not count toward it. Last evaluated 2024-08-04.

Conditions:
Autosomal dominant nonsyndromic hearing loss 20. Identifiers: Orphanet 90635, MedGen C1858172, MONDO:0011480, OMIM 604717.
Baraitser-winter syndrome 2. Identifiers: Orphanet 2995, MedGen C3281235, MONDO:0013812, OMIM 614583.
ACTG1-related disorder. Also called: ACTG1-related disorders; ACTG1-related condition.

Allele frequency attached by ClinVar (database versions not stated): gnomAD exomes 0.00005 and 0.00012; gnomAD 0.00009; TOPMed 0.00011; ESP Exome Variant Server 0.00015; 1000 Genomes Project 30x 0.00016; ExAC 0.00017; 1000 Genomes Project 0.00020.

Submissions (4):

Labcorp Genetics (formerly Invitae), Labcorp
Classification: Likely benign for Baraitser-winter syndrome 2; Autosomal dominant nonsyndromic hearing loss 20. Last evaluated: 2024-08-04. Review status: criteria provided, single submitter. Criteria: Invitae Variant Classification Sherloc (09022015). Collection method: clinical testing. Allele origin: germline.

Blueprint Genetics
Classification: Likely benign. Last evaluated: 2022-07-13. Review status: criteria provided, single submitter. Criteria: ACMG Guidelines, 2015. Collection method: clinical testing. Allele origin: germline.

GeneDx
Classification: Likely benign. Last evaluated: 2018-01-18. Review status: criteria provided, single submitter. Criteria: GeneDx Variant Classification (06012015). Collection method: clinical testing. Allele origin: germline. Affected: yes.
Comment: This variant is considered likely benign or benign based on one or more of the following criteria: it is a conservative change, it occurs at a poorly conserved position in the protein, it is predicted to be benign by multiple in silico algorithms, and/or has population frequency not consistent with disease.

PreventionGenetics, part of Exact Sciences
Classification: Likely benign for ACTG1-related condition. Last evaluated: 2022-06-21. Review status: no assertion criteria provided. Collection method: clinical testing. Allele origin: germline. Not counted in ClinVar's aggregate classification.
Comment: This variant is classified as likely benign based on ACMG/AMP sequence variant interpretation guidelines (Richards et al. 2015 PMID: 25741868, with internal and published modifications).

NM_001614.5(ACTG1):c.1086C>T (p.Tyr362=)

Gene: ACTG1 (actin gamma 1; minus strand). Cytogenetic location: 17q25.3.
Variant type: single nucleotide variant.
Coding change: c.1086C>T on transcript NM_001614.5 (MANE Select); coding-DNA position 1086, C replaced by T.
Protein change: p.Tyr362=; no amino-acid change (tyrosine 362 retained).
Molecular consequence: synonymous variant. On other transcripts: non-coding transcript variant (1).
Genome position (GRCh38, 1-based): chr17:81,510,732, G>A on the plus strand (C>T on the coding strand, the complement: ACTG1 is on the minus strand). VCF-style: chr17-81510732-G-A. GRCh37 (hg19) VCF-style: chr17-79477758-G-A.
Other names: c.1086C>T, p.Tyr362= (NM_001199954.3).
Identifiers: ClinVar variation 516174 (VCV000516174.10), dbSNP rs144114953, ClinGen allele CA8835828.